The following is an entry in ClinVar:

ClinVar aggregate classification (germline): Uncertain significance (1 of 4 stars; one submission).

Submission:

Women's Health and Genetics/Laboratory Corporation of America, LabCorp
Classification: Uncertain significance. Last evaluated: 2025-09-22. Review status: criteria provided, single submitter. Criteria: LabCorp Variant Classification Summary - May 2015. Collection method: clinical testing. Allele origin: germline.
Comment: Variant summary: PKD1 c.9128G>C (p.Cys3043Ser) results in a non-conservative amino acid change in the encoded protein sequence. Algorithms developed to predict the effect of missense changes on protein structure and function all suggest that this variant is likely to be disruptive. The variant was absent in 157216 control chromosomes. The available data on variant occurrences in the general population are insufficient to allow any conclusion about variant significance. c.9128G>C has been observed in an individuals affected with Polycystic Kidney Disease (Zhang_2019). This report does not provide unequivocal conclusions about association of the variant with Polycystic Kidney Disease. To our knowledge, no experimental evidence demonstrating an impact on protein function has been reported. The following publication has been ascertained in the context of this evaluation (PMID: 29633482). No submitters have cited clinical-significance assessments for this variant to ClinVar. Based on the evidence outlined above, the variant was classified as uncertain significance.

Literature cited by the submitters: PubMed 29633482.

NM_001009944.3(PKD1):c.9128G>C (p.Cys3043Ser)

Gene: PKD1 (polycystin 1, transient receptor potential channel interacting; minus strand). Cytogenetic location: 16p13.3.
Variant type: single nucleotide variant.
Coding change: c.9128G>C on transcript NM_001009944.3 (MANE Select); coding-DNA position 9128, G replaced by C.
Protein change: p.Cys3043Ser; replaces cysteine 3043 with serine.
Molecular consequence: missense variant.
Genome position (GRCh38, 1-based): chr16:2,102,454, C>G on the plus strand (G>C on the coding strand, the complement: PKD1 is on the minus strand). VCF-style: chr16-2102454-C-G. GRCh37 (hg19) VCF-style: chr16-2152455-C-G.
Other names: c.9128G>C, p.Cys3043Ser (NM_000296.4); short protein forms C3043S.
Identifiers: ClinVar variation 4536088 (VCV004536088.1).